The following is an entry in ClinVar:

ClinVar aggregate classification (germline): Uncertain significance (1 of 4 stars; one submission).

Allele frequency attached by ClinVar (database versions not stated): gnomAD exomes below 0.00001; TOPMed below 0.00001; gnomAD 0.00001.
gnomAD v4.1: 2 of 1,612,372 alleles (0.00012%); highest among the groups gnomAD compares: Middle Eastern, 0.016%; no homozygotes.

Submission:

Labcorp Genetics (formerly Invitae), Labcorp
Classification: Uncertain significance. Last evaluated: 2022-09-21. Review status: criteria provided, single submitter. Criteria: Invitae Variant Classification Sherloc (09022015). Collection method: clinical testing. Allele origin: germline.
Comment: This variant is not present in population databases (gnomAD no frequency). In summary, the available evidence is currently insufficient to determine the role of this variant in disease. Therefore, it has been classified as a Variant of Uncertain Significance. Advanced modeling of protein sequence and biophysical properties (such as structural, functional, and spatial information, amino acid conservation, physicochemical variation, residue mobility, and thermodynamic stability) performed at Invitae indicates that this missense variant is not expected to disrupt CACNA1B protein function. This variant has not been reported in the literature in individuals affected with CACNA1B-related conditions. This sequence change replaces threonine, which is neutral and polar, with serine, which is neutral and polar, at codon 1836 of the CACNA1B protein (p.Thr1836Ser).

NM_000718.4(CACNA1B):c.5507C>G (p.Thr1836Ser)

Gene: CACNA1B (calcium voltage-gated channel subunit alpha1 B; plus strand). Cytogenetic location: 9q34.3.
Variant type: single nucleotide variant.
Coding change: c.5507C>G on transcript NM_000718.4 (MANE Select); coding-DNA position 5507, C replaced by G.
Protein change: p.Thr1836Ser; replaces threonine 1836 with serine.
Molecular consequence: missense variant.
Genome position (GRCh38, 1-based): chr9:138,112,476, C>G. VCF-style: chr9-138112476-C-G. GRCh37 (hg19) VCF-style: chr9-141006928-C-G.
Other names: c.5507C>G, p.Thr1836Ser (NM_001243812.2); short protein forms T1836S.
Identifiers: ClinVar variation 1907960 (VCV001907960.5), dbSNP rs1395728889, ClinGen allele CA375815901.